The following is an entry in ClinVar:

NM_024838.5(THNSL1):c.-218C>T

Genes: ENKUR (enkurin, TRPC channel interacting protein; minus strand), THNSL1 (threonine synthase like 1; plus strand), LOC111946231 (Sharpr-MPRA regulatory region 97; plus strand). Cytogenetic location: 10p12.1.
Variant type: single nucleotide variant.
Coding change: c.-218C>T on transcript NM_024838.5 (MANE Select); 218 bases upstream of the start codon, C replaced by T.
Molecular consequence: 5 prime UTR variant. On other transcripts: intron variant (1).
Genome position (GRCh38, 1-based): chr10:25,016,690, C>T. VCF-style: chr10-25016690-C-T. GRCh37 (hg19) VCF-style: chr10-25305619-C-T.
Other names: c.38-20821G>A (NM_001270383.2).
Identifiers: ClinVar variation 4880132 (VCV004880132.1).

ClinVar aggregate classification (germline): Uncertain significance (1 of 4 stars; one submission).

Conditions:
Primary ciliary dyskinesia. Also called: Ciliary dyskinesia. Identifiers: Orphanet 244, MedGen C0008780, MONDO:0016575, HP:0012265.

Submission:

Department of Human Genetics, Hannover Medical School
Classification: Uncertain significance for Primary Ciliary Dyskinesia. Last evaluated: 2026-04-01. Review status: criteria provided, single submitter. Criteria: ACMG Guidelines, 2015. Collection method: research. Allele origin: germline. Affected: no.
Comment: Classification performed by HerediClassify using the following criteria:['PM2_supporting: Variant occures does not occur as homozygous in gnomAD.', 'PP3_splicing_supporting: Variant is predicted to have a splice effect by SpliceAI with evidence strength supporting meeting a threshold of 0.2 (value: 0.25).', "PP4_moderate: The modified PICADAR socre of 8.0 exceeds threshold of 5 achieving 'strong' evidence strength."]